The following is an entry in ClinVar:

NM_002291.3(LAMB1):c.4886C>T (p.Ser1629Leu)

Gene: LAMB1 (laminin subunit beta 1; minus strand). Cytogenetic location: 7q31.1.
Variant type: single nucleotide variant.
Coding change: c.4886C>T on transcript NM_002291.3 (MANE Select); coding-DNA position 4886, C replaced by T.
Protein change: p.Ser1629Leu; replaces serine 1629 with leucine.
Molecular consequence: missense variant.
Genome position (GRCh38, 1-based): chr7:107,929,065, G>A on the plus strand (C>T on the coding strand, the complement: LAMB1 is on the minus strand). VCF-style: chr7-107929065-G-A. GRCh37 (hg19) VCF-style: chr7-107569510-G-A.
Other names: short protein forms S1629L.
Identifiers: ClinVar variation 3117577 (VCV003117577.3), dbSNP rs192862218, ClinGen allele CA4434919.

ClinVar aggregate classification (germline): Uncertain significance. Review status: criteria provided, multiple submitters, no conflicts (2 of 4 stars). 2 submissions from 2 submitters: Uncertain significance (2). Last evaluated 2024-03-18.

Conditions:
Inborn genetic diseases. Identifiers: MedGen C0950123, MeSH D030342.

Allele frequency attached by ClinVar (database versions not stated): gnomAD 0.00003; ExAC 0.00008; 1000 Genomes Project 30x 0.00016; 1000 Genomes Project 0.00020.
gnomAD v4.1: 56 of 1,613,654 alleles (0.0035%); highest among the groups gnomAD compares: South Asian, 0.021%; no homozygotes.

Submissions (2):

Labcorp Genetics (formerly Invitae), Labcorp
Classification: Uncertain significance. Last evaluated: 2024-03-18. Review status: criteria provided, single submitter. Criteria: Invitae Variant Classification Sherloc (09022015). Collection method: clinical testing. Allele origin: germline.
Comment: This sequence change replaces serine, which is neutral and polar, with leucine, which is neutral and non-polar, at codon 1629 of the LAMB1 protein (p.Ser1629Leu). This variant is present in population databases (rs192862218, gnomAD 0.02%). This variant has not been reported in the literature in individuals affected with LAMB1-related conditions. An algorithm developed to predict the effect of missense changes on protein structure and function (PolyPhen-2) suggests that this variant is likely to be disruptive. In summary, the available evidence is currently insufficient to determine the role of this variant in disease. Therefore, it has been classified as a Variant of Uncertain Significance.

Ambry Genetics
Classification: Uncertain significance for Inborn genetic diseases. Last evaluated: 2023-10-25. Review status: criteria provided, single submitter. Criteria: Ambry Variant Classification Scheme 2023. Collection method: clinical testing. Allele origin: germline.